The following is an entry in ClinVar:

NM_000059.4(BRCA2):c.297del (p.Asp99fs)

Gene: BRCA2 (BRCA2 DNA repair associated; plus strand). Cytogenetic location: 13q13.1.
Variant type: Deletion.
Coding change: c.297del on transcript NM_000059.4 (MANE Select); coding-DNA position 297, one base deleted (T; older notation c.297delT).
Protein change: p.Asp99fs; shifts the reading frame from aspartic acid 99.
Molecular consequence: frameshift variant. On other transcripts: 5 prime UTR variant (1), non-coding transcript variant (1).
Genome position (GRCh38, 1-based): chr13:32,319,306, T deleted. VCF-style (leftmost placement, unchanged base first): chr13-32319305-AT-A. GRCh37 (hg19) VCF-style: chr13-32893442-AT-A.
Other names: c.297del, p.Asp99fs (NM_001406719.1, NM_001406720.1, NM_001406721.1 and 1 more transcripts); c.-73del (NM_001406722.1); short protein forms D99fs.
Identifiers: ClinVar variation 4856726 (VCV004856726.1).

ClinVar aggregate classification (germline): Pathogenic (1 of 4 stars; one submission).

Conditions:
Breast-ovarian cancer, familial, susceptibility to, 2 (BROVCA2). Also called: BRCA2 Hereditary Breast and Ovarian Cancer. Identifiers: Orphanet 145, MedGen C2675520, MONDO:0012933, OMIM 612555. Disease mechanism: loss of function.

Submission:

Myriad Genetics, Inc.
Classification: Pathogenic for Breast-ovarian cancer, familial, susceptibility to, 2. Last evaluated: 2026-01-27. Review status: criteria provided, single submitter. Criteria: Myriad Autosomal Dominant, Autosomal Recessive and X-Linked Classification Criteria (2023). Collection method: clinical testing. Allele origin: unknown.
Comment: This variant is considered pathogenic. This variant creates a frameshift predicted to result in premature protein truncation.